The following is an entry in ClinVar:

ClinVar aggregate classification (germline): Uncertain significance. Review status: criteria provided, multiple submitters, no conflicts (2 of 4 stars). 2 submissions from 2 submitters: Uncertain significance (2). Last evaluated 2023-10-11.

Conditions:
Polyposis syndrome, hereditary mixed, 2. Identifiers: Orphanet 157794, MedGen C1864730, MONDO:0012405, OMIM 610069.
Juvenile polyposis syndrome (JPS). Identifiers: Orphanet 2929, MedGen C0345893, MONDO:0017380, OMIM 174900.

Submissions (2):

Department of Pathology and Laboratory Medicine, Sinai Health System
Classification: Uncertain significance for Polyposis syndrome, hereditary mixed, 2; Juvenile polyposis syndrome. Last evaluated: 2023-10-11. Review status: criteria provided, single submitter. Criteria: ACMG Guidelines, 2015. Collection method: clinical testing. Allele origin: germline. Affected: yes.

Labcorp Genetics (formerly Invitae), Labcorp
Classification: Uncertain significance for Juvenile polyposis syndrome. Last evaluated: 2023-09-27. Review status: criteria provided, single submitter. Criteria: Invitae Variant Classification Sherloc (09022015). Collection method: clinical testing. Allele origin: germline.
Comment: In summary, the available evidence is currently insufficient to determine the role of this variant in disease. Therefore, it has been classified as a Variant of Uncertain Significance. Advanced modeling of protein sequence and biophysical properties (such as structural, functional, and spatial information, amino acid conservation, physicochemical variation, residue mobility, and thermodynamic stability) has been performed at Invitae for this missense variant, however the output from this modeling did not meet the statistical confidence thresholds required to predict the impact of this variant on BMPR1A protein function. This variant has not been reported in the literature in individuals affected with BMPR1A-related conditions. This variant is not present in population databases (gnomAD no frequency). This sequence change replaces methionine, which is neutral and non-polar, with lysine, which is basic and polar, at codon 408 of the BMPR1A protein (p.Met408Lys).

NM_004329.3(BMPR1A):c.1223T>A (p.Met408Lys)

Gene: BMPR1A (bone morphogenetic protein receptor type 1A; plus strand). Cytogenetic location: 10q23.2.
Variant type: single nucleotide variant.
Coding change: c.1223T>A on transcript NM_004329.3 (MANE Select); coding-DNA position 1223, T replaced by A.
Protein change: p.Met408Lys; replaces methionine 408 with lysine.
Molecular consequence: missense variant. On other transcripts: non-coding transcript variant (3).
Genome position (GRCh38, 1-based): chr10:86,921,576, T>A. VCF-style: chr10-86921576-T-A. GRCh37 (hg19) VCF-style: chr10-88681333-T-A.
Other names: c.1223T>A, p.Met408Lys (NM_001406578.1, NM_001406579.1, NM_001406580.1 and 19 more transcripts); c.1217T>A, p.Met406Lys (NM_001406583.1); c.1139T>A, p.Met380Lys (NM_001406584.1, NM_001406585.1, NM_001406586.1 and 2 more transcripts); c.1298T>A, p.Met433Lys (NM_001406559.1); c.1271T>A, p.Met424Lys (NM_001406560.1); c.881T>A, p.Met294Lys (NM_001406589.1); short protein forms M294K, M380K, M424K, M433K, M406K, M408K.
Identifiers: ClinVar variation 2960204 (VCV002960204.4), dbSNP rs2539636396, ClinGen allele CA377462006.